The following is an entry in ClinVar:

ClinVar aggregate classification (germline): Uncertain significance (1 of 4 stars; one submission).

Conditions:
Cardiovascular phenotype. Identifiers: MedGen CN230736.

Allele frequency attached by ClinVar (database versions not stated): gnomAD exomes below 0.00001; gnomAD 0.00001; TOPMed 0.00001.
gnomAD v4.1: 6 of 1,613,048 alleles (0.00037%); highest among the groups gnomAD compares: Admixed American, 0.0017%; no homozygotes.

Submission:

Ambry Genetics
Classification: Uncertain significance for Cardiovascular phenotype. Last evaluated: 2019-12-20. Review status: criteria provided, single submitter. Criteria: Ambry Variant Classification Scheme 2023. Collection method: clinical testing. Allele origin: germline.
Comment: The p.T1348M variant (also known as c.4043C>T), located in coding exon 32 of the CACNA1C gene, results from a C to T substitution at nucleotide position 4043. The threonine at codon 1348 is replaced by methionine, an amino acid with similar properties. This alteration was identified in a cohort of subjects with prolonged QT interval (Gibbs C et al. J Am Heart Assoc, 2018 08;7:e009706). This amino acid position is highly conserved in available vertebrate species. In addition, this alteration is predicted to be deleterious by in silico analysis. Since supporting evidence is limited at this time, the clinical significance of this alteration remains unclear.

Literature cited by the submitters: PubMed 30369311.

NM_000719.7(CACNA1C):c.4043C>T (p.Thr1348Met)

Gene: CACNA1C (calcium voltage-gated channel subunit alpha1 C; plus strand). Cytogenetic location: 12p13.33.
Variant type: single nucleotide variant.
Coding change: c.4043C>T on transcript NM_000719.7 (MANE Select); coding-DNA position 4043, C replaced by T.
Protein change: p.Thr1348Met; replaces threonine 1348 with methionine.
Molecular consequence: missense variant.
Genome position (GRCh38, 1-based): chr12:2,651,737, C>T. VCF-style: chr12-2651737-C-T. GRCh37 (hg19) VCF-style: chr12-2760903-C-T.
Other names: c.4043C>T, p.Thr1348Met (NM_001129830.3, NM_001129833.2, NM_001129834.2 and 7 more transcripts); c.4127C>T, p.Thr1376Met (NM_001129831.2); c.4103C>T, p.Thr1368Met (NM_001129832.2); c.4094C>T, p.Thr1365Met (NM_001129836.2); c.4010C>T, p.Thr1337Met (NM_001129837.2, NM_001129838.2, NM_001129846.2 and 1 more transcripts); c.4004C>T, p.Thr1335Met (NM_001129839.2); c.4034C>T, p.Thr1345Met (NM_001129844.2); c.4187C>T, p.Thr1396Met (NM_199460.4, NM_001129827.2); and 1 more; short protein forms T1345M, T1370M, T1396M, T1335M, T1348M, T1365M, T1376M, T1337M.
Identifiers: ClinVar variation 1737301 (VCV001737301.2), dbSNP rs1267632223, ClinGen allele CA383373751.